The following is an entry in ClinVar:

ClinVar aggregate classification (germline): Pathogenic (1 of 4 stars; one submission).

Submission:

Labcorp Genetics (formerly Invitae), Labcorp
Classification: Pathogenic. Last evaluated: 2025-01-18. Review status: criteria provided, single submitter. Criteria: Invitae Variant Classification Sherloc (09022015). Collection method: clinical testing. Allele origin: germline.
Comment: This sequence change creates a premature translational stop signal (p.Val2225Phefs*3) in the EYS gene. It is expected to result in an absent or disrupted protein product. Loss-of-function variants in EYS are known to be pathogenic (PMID: 18836446, 20333770). This variant is not present in population databases (gnomAD no frequency). This variant has not been reported in the literature in individuals affected with EYS-related conditions. For these reasons, this variant has been classified as Pathogenic.

Literature cited by the submitters: PubMed 18836446; PubMed 20333770.

NM_001142800.2(EYS):c.6673_6674del (p.Val2225fs)

Gene: EYS (EGF-like photoreceptor maintenance factor; minus strand). Cytogenetic location: 6q12.
Variant type: Deletion.
Coding change: c.6673_6674del on transcript NM_001142800.2 (MANE Select); coding-DNA positions 6673 to 6674, 2 bases deleted (GT; older notation c.6673_6674delGT).
Protein change: p.Val2225fs; shifts the reading frame from valine 2225.
Molecular consequence: frameshift variant.
Genome position (GRCh38, 1-based): chr6:64,066,389-64,066,390, AC deleted on the plus strand (GT on the coding strand, the reverse complement: EYS is on the minus strand); deleting any 2 consecutive bases within chr6:64,066,389-64,066,391 gives the same sequence; the c. name uses the placement nearest the transcript's 3' end. VCF-style (leftmost placement, unchanged base first): chr6-64066388-AAC-A. GRCh37 (hg19) VCF-style: chr6-64776281-AAC-A.
Other names: c.6673_6674del, p.Val2225fs (NM_001292009.2); short protein forms V2225fs.
Identifiers: ClinVar variation 3729138 (VCV003729138.2).